The following is an entry in ClinVar:

NM_020401.4(NUP107):c.449-239G>A

Gene: NUP107 (nucleoporin 107; plus strand). Cytogenetic location: 12q15.
Variant type: single nucleotide variant.
Coding change: c.449-239G>A on transcript NM_020401.4 (MANE Select); 239 bases into the intron before coding-DNA position 449, G replaced by A.
Molecular consequence: intron variant.
Genome position (GRCh38, 1-based): chr12:68,696,580, G>A. VCF-style: chr12-68696580-G-A. GRCh37 (hg19) VCF-style: chr12-69090360-G-A.
Other names: c.362-239G>A (NM_001330192.2).
Identifiers: ClinVar variation 1683922 (VCV001683922.2), dbSNP rs142095970, ClinGen allele CA238434785.

ClinVar aggregate classification (germline): Likely benign (1 of 4 stars; one submission).

Allele frequency attached by ClinVar (database versions not stated): 1000 Genomes Project 0.00300; gnomAD 0.00312 and 0.00335; TOPMed 0.00357; 1000 Genomes Project 30x 0.00375.
gnomAD v4.1: 466 of 151,856 alleles (0.31%); highest among the groups gnomAD compares: African/African-American, 1.1%; 2 homozygotes.

Submission:

GeneDx
Classification: Likely benign. Last evaluated: 2021-08-30. Review status: criteria provided, single submitter. Criteria: GeneDx Variant Classification Process June 2021. Collection method: clinical testing. Allele origin: germline. Affected: yes.
Comment: See Variant Classification Assertion Criteria.